The following is an entry in ClinVar:

NM_000051.4(ATM):c.812T>C (p.Leu271Pro)

Gene: ATM (ATM serine/threonine kinase; plus strand). Cytogenetic location: 11q22.3.
Variant type: single nucleotide variant.
Coding change: c.812T>C on transcript NM_000051.4 (MANE Select); coding-DNA position 812, T replaced by C.
Protein change: p.Leu271Pro; replaces leucine 271 with proline.
Molecular consequence: missense variant.
Genome position (GRCh38, 1-based): chr11:108,244,937, T>C. VCF-style: chr11-108244937-T-C. GRCh37 (hg19) VCF-style: chr11-108115664-T-C.
Other names: c.812T>C, p.Leu271Pro (NM_001351834.2); short protein forms L271P.
Identifiers: ClinVar variation 2159506 (VCV002159506.1), dbSNP rs1314281091, ClinGen allele CA382529397.
Genomic context (GRCh38, chr11:108,244,937, plus strand): 5'-TGTGTGAATTAGGAGATGAAATTCTTCCCACTTTGCTTTATATTTGGACTCAACATAGGC[T>C]TAATGATTCTTTAAAAGAAGTCATTATTGAATTATTTCAACTGCAAATTTATATCCATCA-3'
Protein context (NP_000042.3, residues 261-281): TLLYIWTQHR[Leu271Pro]NDSLKEVIIE

ClinVar aggregate classification (germline): Uncertain significance (1 of 4 stars; one submission).

Conditions:
Ataxia-telangiectasia syndrome (AT). Also called: AT, COMPLEMENTATION GROUP C; Ataxia telangiectasia (A-T); LOUIS-BAR SYNDROME; Cerebello-oculocutaneous telangiectasia; Immunodeficiency with ataxia telangiectasia; Ataxia-telangiectasia, complementation group D. Identifiers: Orphanet 100, MedGen C0004135, MONDO:0008840, OMIM 208900.

Submission:

Labcorp Genetics (formerly Invitae), Labcorp
Classification: Uncertain significance for Ataxia-telangiectasia syndrome. Last evaluated: 2022-11-03. Review status: criteria provided, single submitter. Criteria: Invitae Variant Classification Sherloc (09022015). Collection method: clinical testing. Allele origin: germline.
Comment: This sequence change replaces leucine, which is neutral and non-polar, with proline, which is neutral and non-polar, at codon 271 of the ATM protein (p.Leu271Pro). This variant is not present in population databases (gnomAD no frequency). This variant has not been reported in the literature in individuals affected with ATM-related conditions. Algorithms developed to predict the effect of missense changes on protein structure and function output the following: SIFT: "Tolerated"; PolyPhen-2: "Benign"; Align-GVGD: "Class C0". The proline amino acid residue is found in multiple mammalian species, which suggests that this missense change does not adversely affect protein function. In summary, the available evidence is currently insufficient to determine the role of this variant in disease. Therefore, it has been classified as a Variant of Uncertain Significance.